The following is an entry in ClinVar:

ClinVar aggregate classification (germline): Conflicting classifications of pathogenicity. Review status: criteria provided, conflicting classifications (1 of 4 stars). 7 submissions from 7 submitters: Uncertain significance (3); Benign (2); Likely benign (2). Last evaluated 2026-01-27.

Conditions:
ADGRV1-related disorder. Also called: ADGRV1-related condition; ADGRV1-related disorders.
Usher syndrome type 2C. Also called: Usher syndrome, type 2B; USHER SYNDROME, TYPE IIC. Identifiers: Orphanet 231178, Orphanet 886, MedGen C2931213, MONDO:0011558, OMIM 605472.
Febrile seizures, familial, 4 (FEB4). Also called: CONVULSIONS, FAMILIAL FEBRILE, 4. Identifiers: MedGen C1858493, MONDO:0011443, OMIM 604352.

Allele frequency attached by ClinVar (database versions not stated): gnomAD exomes 0.00005 and 0.00012; ExAC 0.00014; 1000 Genomes Project 30x 0.00016; 1000 Genomes Project 0.00020; ESP Exome Variant Server 0.00050; gnomAD 0.00052 and 0.00060; TOPMed 0.00063.
gnomAD v4.1: 155 of 1,610,526 alleles (0.0096%); highest among the groups gnomAD compares: African/African-American, 0.18%; no homozygotes.

Submissions (7):

Labcorp Genetics (formerly Invitae), Labcorp
Classification: Benign. Last evaluated: 2026-01-27. Review status: criteria provided, single submitter. Criteria: Invitae Variant Classification Sherloc (09022015). Collection method: clinical testing. Allele origin: germline.

Women's Health and Genetics/Laboratory Corporation of America, LabCorp
Classification: Uncertain significance. Last evaluated: 2026-01-16. Review status: criteria provided, single submitter. Criteria: LabCorp Variant Classification Summary - May 2015. Collection method: clinical testing. Allele origin: germline.
Comment: Variant summary: ADGRV1 c.9635T>C (p.Ile3212Thr) results in a non-conservative amino acid change in the encoded protein sequence. Algorithms developed to predict the effect of missense changes on protein structure and function are either unavailable or do not agree on the potential impact of this missense change. The variant allele was found at a frequency of 0.00012 in 248458 control chromosomes. This frequency is not significantly higher than estimated for disease-causing variants in ADGRV1, allowing no conclusion about variant significance. To our knowledge, no occurrence of c.9635T>C in individuals affected with ADGRV1-related conditions and no experimental evidence demonstrating its impact on protein function have been reported. ClinVar contains an entry for this variant (Variation ID: 290825). Based on the evidence outlined above, the variant was classified as uncertain significance.

PreventionGenetics, part of Exact Sciences
Classification: Likely benign for ADGRV1-related condition. Last evaluated: 2024-11-17. Review status: criteria provided, single submitter. Criteria: ACMG Guidelines, 2015. Collection method: clinical testing. Allele origin: germline.
Comment: This variant is classified as likely benign based on ACMG/AMP sequence variant interpretation guidelines (Richards et al. 2015 PMID: 25741868, with internal and published modifications).

Blueprint Genetics
Classification: Benign. Last evaluated: 2024-02-14. Review status: criteria provided, single submitter. Criteria: ACMG Guidelines, 2015. Collection method: clinical testing. Allele origin: germline.

Fulgent Genetics
Classification: Uncertain significance for Febrile seizures, familial, 4; Usher syndrome type 2C. Last evaluated: 2018-10-31. Review status: criteria provided, single submitter. Criteria: ACMG Guidelines, 2015. Collection method: clinical testing. Allele origin: unknown.

GeneDx
Classification: Likely benign. Last evaluated: 2018-05-12. Review status: criteria provided, single submitter. Criteria: GeneDx Variant Classification (06012015). Collection method: clinical testing. Allele origin: germline. Affected: yes.
Comment: This variant is considered likely benign or benign based on one or more of the following criteria: it is a conservative change, it occurs at a poorly conserved position in the protein, it is predicted to be benign by multiple in silico algorithms, and/or has population frequency not consistent with disease.

Eurofins Ntd Llc (ga)
Classification: Uncertain significance. Last evaluated: 2016-09-12. Review status: criteria provided, single submitter. Criteria: EGL Classification Definitions 2015. Collection method: clinical testing. Allele origin: germline. Observed: 1 variant allele, 1 heterozygote.

NM_032119.4(ADGRV1):c.9635T>C (p.Ile3212Thr)

Gene: ADGRV1 (adhesion G protein-coupled receptor V1; plus strand). Cytogenetic location: 5q14.3.
Variant type: single nucleotide variant.
Coding change: c.9635T>C on transcript NM_032119.4 (MANE Select); coding-DNA position 9635, T replaced by C.
Protein change: p.Ile3212Thr; replaces isoleucine 3212 with threonine.
Molecular consequence: missense variant. On other transcripts: non-coding transcript variant (1).
Genome position (GRCh38, 1-based): chr5:90,720,946, T>C. VCF-style: chr5-90720946-T-C. GRCh37 (hg19) VCF-style: chr5-90016763-T-C.
Other names: short protein forms I3212T.
Identifiers: ClinVar variation 290825 (VCV000290825.18), dbSNP rs199833843, ClinGen allele CA3340564.
Genomic context (GRCh38, chr5:90,720,946, plus strand): 5'-GTAGAATGTATACTTTTTCTGCTTCCCTCAATCCATGTATTTCTTTCAGAGCCACCTCCA[T>C]AGACATCGAAGAAGCCAATAGGACCGTGTATTTAAATGTATCTCGAACTAATGGCATTGA-3'
Protein context (NP_115495.3, residues 3202-3222): ISAVENRATS[Ile3212Thr]DIEEANRTVY